The following is an entry in ClinVar:

NM_004974.4(KCNA2):c.1242C>A (p.Asn414Lys)

Gene: KCNA2 (potassium voltage-gated channel subfamily A member 2; minus strand). Cytogenetic location: 1p13.3.
Variant type: single nucleotide variant.
Coding change: c.1242C>A on transcript NM_004974.4 (MANE Select); coding-DNA position 1242, C replaced by A.
Protein change: p.Asn414Lys; replaces asparagine 414 with lysine.
Molecular consequence: missense variant. On other transcripts: intron variant (1).
Genome position (GRCh38, 1-based): chr1:110,603,541, G>T on the plus strand (C>A on the coding strand, the complement: KCNA2 is on the minus strand). VCF-style: chr1-110603541-G-T. GRCh37 (hg19) VCF-style: chr1-111146163-G-T.
Other names: c.894+348C>A (NM_001204269.2); short protein forms N414K.
Identifiers: ClinVar variation 1002622 (VCV001002622.9), dbSNP rs749520613, ClinGen allele CA341601172.
Genomic context (GRCh38, chr1:110,603,541, plus strand): 5'-GCTTGTCACTTGCAAGTATTGGGCCTGTTCCTCTCCCTCTGTCTCCCGGTGGTAGAAGTA[G>T]TTGAAATTGGACACAATGACAGGGACCGGTAAGGCAATAGTTAACACACCTGCAATCGCA-3'
Protein context (NP_004965.1, residues 404-424): LPVPVIVSNF[Asn414Lys]YFYHRETEGE

ClinVar aggregate classification (germline): Uncertain significance (1 of 4 stars; one submission).

Conditions:
Developmental and epileptic encephalopathy, 32 (DEE32). Also called: Epileptic encephalopathy, early infantile, 32. Identifiers: Orphanet 442835, MedGen C4225350, MONDO:0014607, OMIM 616366.

Submission:

Labcorp Genetics (formerly Invitae), Labcorp
Classification: Uncertain significance for Developmental and epileptic encephalopathy, 32. Last evaluated: 2020-10-30. Review status: criteria provided, single submitter. Criteria: Invitae Variant Classification Sherloc (09022015). Collection method: clinical testing. Allele origin: germline.
Comment: Algorithms developed to predict the effect of missense changes on protein structure and function (SIFT, PolyPhen-2, Align-GVGD) all suggest that this variant is likely to be disruptive, but these predictions have not been confirmed by published functional studies and their clinical significance is uncertain. In summary, the available evidence is currently insufficient to determine the role of this variant in disease. Therefore, it has been classified as a Variant of Uncertain Significance. This sequence change replaces asparagine with lysine at codon 414 of the KCNA2 protein (p.Asn414Lys). The asparagine residue is highly conserved and there is a moderate physicochemical difference between asparagine and lysine. This variant is not present in population databases (ExAC no frequency). This variant has not been reported in the literature in individuals with KCNA2-related conditions.